The following is an entry in ClinVar:

NM_001126108.2(SLC12A3):c.791C>G (p.Ala264Gly)

Gene: SLC12A3 (solute carrier family 12 member 3; plus strand). Cytogenetic location: 16q13.
Variant type: single nucleotide variant.
Coding change: c.791C>G on transcript NM_001126108.2 (MANE Select); coding-DNA position 791, C replaced by G.
Protein change: p.Ala264Gly; replaces alanine 264 with glycine.
Molecular consequence: missense variant.
Genome position (GRCh38, 1-based): chr16:56,870,675, C>G. VCF-style: chr16-56870675-C-G. GRCh37 (hg19) VCF-style: chr16-56904587-C-G.
Other names: c.791G>G (NM_000339.2); c.788C>G (NM_001410896.1); c.791C>G, p.Ala264Gly (NM_000339.3); c.788C>G, p.Ala263Gly (NM_001126107.2); short protein forms A264G, A263G.
Identifiers: ClinVar variation 504886 (VCV000504886.30), dbSNP rs1529927, ClinGen allele CA8069208.
Genomic context (GRCh38, chr16:56,870,675, plus strand): 5'-TCCCTCCCCAGGAGTATGGGGCACCCATCGTGGACCCCATTAACGACATCCGCATCATTG[C>G]CGTGGTCTCGGTCACTGTGCTGCTGGCCATCTCCCTGGCTGGCATGGAGTGGGAGTCCAA-3'
Protein context (NP_001119580.2, residues 254-274): VDPINDIRII[Ala264Gly]VVSVTVLLAI

ClinVar aggregate classification (germline): Benign. Review status: criteria provided, multiple submitters, no conflicts (2 of 4 stars). 14 submissions from 14 submitters: Benign (11). 3 of the submissions do not count toward it. Last evaluated 2026-03-23.

Conditions:
Familial hypokalemia-hypomagnesemia (GTLMNS). Also called: POTASSIUM AND MAGNESIUM DEPLETION; gitelman syndrome; HYPOMAGNESEMIA-HYPOKALEMIA, PRIMARY RENOTUBULAR, WITH HYPOCALCIURIA. Identifiers: Orphanet 358, MedGen C0268450, MONDO:0009904, OMIM 263800.

Allele frequency attached by ClinVar (database versions not stated): gnomAD exomes 0.96773 and 0.97818; ESP Exome Variant Server 0.97322; ExAC 0.97557; gnomAD 0.97710; TOPMed 0.98052; 1000 Genomes Project 0.99062.
gnomAD v4.1: 1,563,980 of 1,613,832 alleles (97%); highest among the groups gnomAD compares: East Asian, 100%; 758,043 homozygotes.

Submissions (14):

Women's Health and Genetics/Laboratory Corporation of America, LabCorp
Classification: Benign. Last evaluated: 2026-03-23. Review status: criteria provided, single submitter. Criteria: LabCorp Variant Classification Summary - May 2015. Collection method: clinical testing. Allele origin: germline.

Labcorp Genetics (formerly Invitae), Labcorp
Classification: Benign. Last evaluated: 2026-02-04. Review status: criteria provided, single submitter. Criteria: Invitae Variant Classification Sherloc (09022015). Collection method: clinical testing. Allele origin: germline.

Nephrology, University of Crete, University General Hospital of Heraklion
Classification: Benign for Familial hypokalemia-hypomagnesemia. Last evaluated: 2025-11-05. Review status: criteria provided, single submitter. Criteria: ACMG Guidelines, 2015. Collection method: clinical testing. Allele origin: biparental. Affected: yes.

Blueprint Genetics
Classification: Benign. Last evaluated: 2024-11-27. Review status: criteria provided, single submitter. Criteria: ACMG Guidelines, 2015. Collection method: clinical testing. Allele origin: germline.

Mayo Clinic Laboratories, Mayo Clinic
Classification: Benign. Last evaluated: 2022-09-23. Review status: criteria provided, single submitter. Criteria: ACMG Guidelines, 2015. Collection method: clinical testing. Allele origin: germline. Observed: 179 variant alleles.
Comment: BS1, BS2, BP4

Fulgent Genetics
Classification: Benign for Familial hypokalemia-hypomagnesemia. Last evaluated: 2021-07-21. Review status: criteria provided, single submitter. Criteria: ACMG Guidelines, 2015. Collection method: clinical testing. Allele origin: unknown.

Genome-Nilou Lab
Classification: Benign for Familial hypokalemia-hypomagnesemia. Last evaluated: 2021-07-10. Review status: criteria provided, single submitter. Criteria: ACMG Guidelines, 2015. Collection method: clinical testing. Allele origin: germline. Affected: no.

GeneDx
Classification: Benign. Last evaluated: 2019-12-02. Review status: criteria provided, single submitter. Criteria: GeneDx Variant Classification Process June 2021. Collection method: clinical testing. Allele origin: germline. Affected: yes.
Comment: This variant is associated with the following publications: (PMID: 25892104, 17460608, 10988270, 15480096, 27884173, 11940055, 20981092, 14766743, 21415153, 22245519)

Mendelics
Classification: Benign for Familial hypokalemia-hypomagnesemia. Last evaluated: 2019-05-28. Review status: criteria provided, single submitter. Criteria: Mendelics Assertion Criteria 2017. Collection method: clinical testing. Allele origin: unknown.

Laboratory for Molecular Medicine, Mass General Brigham Personalized Medicine
Classification: Benign. Last evaluated: 2016-02-17. Review status: criteria provided, single submitter. Criteria: LMM Criteria. Collection method: clinical testing. Allele origin: germline. Observed: 1 variant allele.
Comment: This is a RefSeq error. The reference base (c.791C) is the minor allele. This al lele (C) has been identified in 3.65% (2438/66728) of European chromosomes by th e Exome Aggregation Consortium (ExAC; dbSNP rs15 29927) and thus meets criteria to be classified as benign.

Breakthrough Genomics
Classification: Benign. Review status: criteria provided, single submitter. Criteria: ACMG Guidelines, 2015. Collection method: not provided. Allele origin: germline. Inheritance: Autosomal recessive inheritance. Affected: yes.

Natera, Inc.
Classification: Benign for Gitelman syndrome. Last evaluated: 2020-09-16. Review status: no assertion criteria provided. Collection method: clinical testing. Allele origin: germline. Not counted in ClinVar's aggregate classification.

Diagnostic Laboratory, Department of Genetics, University Medical Center Groningen
Classification: Benign. Review status: no assertion criteria provided. Collection method: clinical testing. Allele origin: germline. Affected: yes. Study: VKGL Data-share Consensus. Not counted in ClinVar's aggregate classification.

Genome Diagnostics Laboratory, University Medical Center Utrecht
Classification: Benign. Review status: no assertion criteria provided. Collection method: clinical testing. Allele origin: germline. Affected: yes. Study: VKGL Data-share Consensus. Not counted in ClinVar's aggregate classification.

Literature cited by the submitters: PubMed 11940055 (cited by Laboratory for Molecular Medicine, Mass General Brigham Personalized Medicine); PubMed 10988270 (cited by Laboratory for Molecular Medicine, Mass General Brigham Personalized Medicine); PubMed 14766743 (cited by Laboratory for Molecular Medicine, Mass General Brigham Personalized Medicine); PubMed 21415153 (cited by Laboratory for Molecular Medicine, Mass General Brigham Personalized Medicine); PubMed 17460608 (cited by Laboratory for Molecular Medicine, Mass General Brigham Personalized Medicine); PubMed 22245519 (cited by Laboratory for Molecular Medicine, Mass General Brigham Personalized Medicine).